The following is an entry in ClinVar:

ClinVar aggregate classification (germline): Uncertain significance. Review status: criteria provided, multiple submitters, no conflicts (2 of 4 stars). 2 submissions from 2 submitters: Uncertain significance (2). Last evaluated 2025-04-06.

Conditions:
Bloom syndrome (BLM). Also called: Bloom-Torre-Machacek syndrome. Identifiers: Orphanet 125, MedGen C0005859, MONDO:0008876, OMIM 210900.
Hereditary cancer-predisposing syndrome. Also called: Hereditary Cancer Syndrome; Tumor predisposition; Hereditary neoplastic syndrome; Neoplastic Syndromes, Hereditary. Identifiers: Orphanet 140162, MedGen C0027672, MeSH D009386, MONDO:0015356.

Allele frequency attached by ClinVar (database versions not stated): gnomAD exomes below 0.00001; TOPMed below 0.00001.
gnomAD v4.1: 1 of 1,614,030 alleles (0.000062%); highest among the groups gnomAD compares: African/African-American, 0.0013%; no homozygotes.

Submissions (2):

Ambry Genetics
Classification: Uncertain significance for Hereditary cancer-predisposing syndrome. Last evaluated: 2025-04-06. Review status: criteria provided, single submitter. Criteria: Ambry Variant Classification Scheme 2023. Collection method: clinical testing. Allele origin: germline.
Comment: The p.E75Q variant (also known as c.223G>C), located in coding exon 2 of the BLM gene, results from a G to C substitution at nucleotide position 223. The glutamic acid at codon 75 is replaced by glutamine, an amino acid with highly similar properties. This amino acid position is conserved. In addition, this alteration is predicted to be tolerated by in silico analysis. Since supporting evidence is limited at this time, the clinical significance of this alteration remains unclear.

Labcorp Genetics (formerly Invitae), Labcorp
Classification: Uncertain significance for Bloom syndrome. Last evaluated: 2024-12-17. Review status: criteria provided, single submitter. Criteria: Invitae Variant Classification Sherloc (09022015). Collection method: clinical testing. Allele origin: germline.
Comment: This sequence change replaces glutamic acid, which is acidic and polar, with glutamine, which is neutral and polar, at codon 75 of the BLM protein (p.Glu75Gln). This variant is present in population databases (no rsID available, gnomAD 0.007%). This variant has not been reported in the literature in individuals affected with BLM-related conditions. ClinVar contains an entry for this variant (Variation ID: 1056575). An algorithm developed to predict the effect of missense changes on protein structure and function (PolyPhen-2) suggests that this variant is likely to be disruptive. In summary, the available evidence is currently insufficient to determine the role of this variant in disease. Therefore, it has been classified as a Variant of Uncertain Significance.

NM_000057.4(BLM):c.223G>C (p.Glu75Gln)

Gene: BLM (BLM RecQ like helicase; plus strand). Cytogenetic location: 15q26.1.
Variant type: single nucleotide variant.
Coding change: c.223G>C on transcript NM_000057.4 (MANE Select); coding-DNA position 223, G replaced by C.
Protein change: p.Glu75Gln; replaces glutamic acid 75 with glutamine.
Molecular consequence: missense variant. On other transcripts: 5 prime UTR variant (1).
Genome position (GRCh38, 1-based): chr15:90,749,491, G>C. VCF-style: chr15-90749491-G-C. GRCh37 (hg19) VCF-style: chr15-91292721-G-C.
Other names: c.223G>C (NM_000057.2); c.223G>C, p.Glu75Gln (NM_001287246.2, NM_001287247.2); c.-1069G>C (NM_001287248.2); short protein forms E75Q.
Identifiers: ClinVar variation 1056575 (VCV001056575.10), dbSNP rs1205667946, ClinGen allele CA393839828.